The following is an entry in ClinVar:

NM_001099271.2(POC5):c.454T>C (p.Ser152Pro)

Gene: POC5 (POC5 centriolar protein; minus strand). Cytogenetic location: 5q13.3.
Variant type: single nucleotide variant.
Coding change: c.454T>C on transcript NM_001099271.2 (MANE Select); coding-DNA position 454, T replaced by C.
Protein change: p.Ser152Pro; replaces serine 152 with proline.
Molecular consequence: missense variant.
Genome position (GRCh38, 1-based): chr5:75,702,664, A>G on the plus strand (T>C on the coding strand, the complement: POC5 is on the minus strand). VCF-style: chr5-75702664-A-G. GRCh37 (hg19) VCF-style: chr5-74998489-A-G.
Other names: c.379T>C, p.Ser127Pro (NM_152408.3); short protein forms S127P, S152P.
Identifiers: ClinVar variation 3216147 (VCV003216147.2), dbSNP rs1349186215, ClinGen allele CA360149718.

ClinVar aggregate classification (germline): Uncertain significance. Review status: criteria provided, multiple submitters, no conflicts (2 of 4 stars). 2 submissions from 2 submitters: Uncertain significance (2). Last evaluated 2025-04-30.

Allele frequency attached by ClinVar (database versions not stated): gnomAD exomes below 0.00001; gnomAD 0.00001; TOPMed 0.00001.
gnomAD v4.1: 3 of 1,612,924 alleles (0.00019%); highest among the groups gnomAD compares: Admixed American, 0.005%; no homozygotes.

Submissions (2):

Labcorp Genetics (formerly Invitae), Labcorp
Classification: Uncertain significance. Last evaluated: 2025-04-30. Review status: criteria provided, single submitter. Criteria: Invitae Variant Classification Sherloc (09022015). Collection method: clinical testing. Allele origin: germline.
Comment: This sequence change replaces serine, which is neutral and polar, with proline, which is neutral and non-polar, at codon 152 of the POC5 protein (p.Ser152Pro). This variant is present in population databases (no rsID available, gnomAD 0.006%). This variant has not been reported in the literature in individuals affected with POC5-related conditions. ClinVar contains an entry for this variant (Variation ID: 3216147). An algorithm developed to predict the effect of missense changes on protein structure and function (PolyPhen-2) suggests that this variant is likely to be disruptive. In summary, the available evidence is currently insufficient to determine the role of this variant in disease. Therefore, it has been classified as a Variant of Uncertain Significance.

Ambry Genetics
Classification: Uncertain significance. Last evaluated: 2023-12-13. Review status: criteria provided, single submitter. Criteria: Ambry Variant Classification Scheme 2023. Collection method: clinical testing. Allele origin: germline.